The following is an entry in ClinVar:

NM_001256715.2(DNAAF3):c.1294G>A (p.Glu432Lys)

Genes: DNAAF3 (dynein axonemal assembly factor 3; minus strand), DNAAF3-AS1 (DNAAF3 antisense RNA 1; plus strand). Cytogenetic location: 19q13.42.
Variant type: single nucleotide variant.
Coding change: c.1294G>A on transcript NM_001256715.2 (MANE Select); coding-DNA position 1294, G replaced by A.
Protein change: p.Glu432Lys; replaces glutamic acid 432 with lysine.
Molecular consequence: missense variant.
Genome position (GRCh38, 1-based): chr19:55,159,394, C>T on the plus strand (G>A on the coding strand, the complement: DNAAF3 is on the minus strand). VCF-style: chr19-55159394-C-T. GRCh37 (hg19) VCF-style: chr19-55670762-C-T.
Other names: c.1495G>A, p.Glu499Lys (NM_001256714.1); c.1132G>A, p.Glu378Lys (NM_001256716.2); c.1435G>A, p.Glu479Lys (NM_178837.4); short protein forms E378K, E479K, E499K, E432K.
Identifiers: ClinVar variation 2965682 (VCV002965682.3), dbSNP rs1378586132, ClinGen allele CA407447566.
Genomic context (GRCh38, chr19:55,159,394, plus strand): 5'-CGAAGGTCTCTGAAGGCCTGGCCCCGGTCTGTGGAGCAAATCCAGCTGCCTGAGCTAGCT[C>T]CCTGACCCGGGTGTTGAATCCCTGCAGCTGCTCCTGCCGCACGTCCACCAGGTACCTGCA-3'
Protein context (NP_001243644.1, residues 422-442): QLQGFNTRVR[Glu432Lys]LAQAAGFAPQ

ClinVar aggregate classification (germline): Uncertain significance (1 of 4 stars; one submission).

Conditions:
Primary ciliary dyskinesia. Also called: Ciliary dyskinesia. Identifiers: Orphanet 244, MedGen C0008780, MONDO:0016575, HP:0012265.

gnomAD v4.1: 1 of 1,614,152 alleles (0.000062%); no homozygotes.

Submission:

Labcorp Genetics (formerly Invitae), Labcorp
Classification: Uncertain significance for Primary ciliary dyskinesia. Last evaluated: 2023-10-16. Review status: criteria provided, single submitter. Criteria: Invitae Variant Classification Sherloc (09022015). Collection method: clinical testing. Allele origin: germline.
Comment: This sequence change replaces glutamic acid, which is acidic and polar, with lysine, which is basic and polar, at codon 499 of the DNAAF3 protein (p.Glu499Lys). This variant is not present in population databases (gnomAD no frequency). This variant has not been reported in the literature in individuals affected with DNAAF3-related conditions. Advanced modeling of protein sequence and biophysical properties (such as structural, functional, and spatial information, amino acid conservation, physicochemical variation, residue mobility, and thermodynamic stability) performed at Invitae indicates that this missense variant is not expected to disrupt DNAAF3 protein function. In summary, the available evidence is currently insufficient to determine the role of this variant in disease. Therefore, it has been classified as a Variant of Uncertain Significance.